The following is an entry in ClinVar:

ClinVar aggregate classification (germline): Pathogenic (1 of 4 stars; one submission).

Conditions:
Congenital muscular hypertrophy-cerebral syndrome (CDLS2). Also called: SMC1A-Related Cornelia de Lange Syndrome; Cornelia de Lange syndrome 2. Identifiers: Orphanet 199, MedGen C1802395, MONDO:0010370, OMIM 300590.

Submission:

Labcorp Genetics (formerly Invitae), Labcorp
Classification: Pathogenic for Congenital muscular hypertrophy-cerebral syndrome. Last evaluated: 2023-10-17. Review status: criteria provided, single submitter. Criteria: Invitae Variant Classification Sherloc (09022015). Collection method: clinical testing. Allele origin: germline.
Comment: This sequence change creates a premature translational stop signal (p.Arg664Glyfs*6) in the SMC1A gene. It is expected to result in an absent or disrupted protein product. Loss-of-function variants in SMC1A are known to be pathogenic (PMID: 26386245, 27334371, 28166369, 28548707, 31334757). This variant is not present in population databases (gnomAD no frequency). This variant has not been reported in the literature in individuals affected with SMC1A-related conditions. For these reasons, this variant has been classified as Pathogenic.

Literature cited by the submitters: PubMed 26386245; PubMed 27334371; PubMed 28166369; PubMed 28548707; PubMed 31334757.

NM_006306.4(SMC1A):c.1989_1995del (p.Arg664fs)

Gene: SMC1A (structural maintenance of chromosomes 1A; minus strand). Cytogenetic location: Xp11.22.
Variant type: Deletion.
Coding change: c.1989_1995del on transcript NM_006306.4 (MANE Select); coding-DNA positions 1989 to 1995, 7 bases deleted (ACGGCGC; older notation c.1989_1995delACGGCGC).
Protein change: p.Arg664fs; shifts the reading frame from arginine 664.
Molecular consequence: frameshift variant.
Genome position (GRCh38, 1-based): chrX:53,405,308-53,405,314, GCGCCGT deleted on the plus strand (ACGGCGC on the coding strand, the reverse complement: SMC1A is on the minus strand); deleting any 7 consecutive bases within chrX:53,405,308-53,405,316 gives the same sequence; the c. name uses the placement nearest the transcript's 3' end. VCF-style (leftmost placement, unchanged base first): chrX-53405307-AGCGCCGT-A. GRCh37 (hg19) VCF-style: chrX-53432239-AGCGCCGT-A.
Other names: c.1923_1929del, p.Arg642fs (NM_001281463.1); short protein forms R642fs, R664fs.
Identifiers: ClinVar variation 2766620 (VCV002766620.3), dbSNP rs2520927640, ClinGen allele CA2697553121.